The following is an entry in ClinVar:

NM_182914.3(SYNE2):c.16109A>C (p.Asn5370Thr)

Gene: SYNE2 (spectrin repeat containing nuclear envelope protein 2; plus strand). Cytogenetic location: 14q23.2.
Variant type: single nucleotide variant.
Coding change: c.16109A>C on transcript NM_182914.3 (MANE Select); coding-DNA position 16109, A replaced by C.
Protein change: p.Asn5370Thr; replaces asparagine 5370 with threonine.
Molecular consequence: missense variant.
Genome position (GRCh38, 1-based): chr14:64,162,086, A>C. VCF-style: chr14-64162086-A-C. GRCh37 (hg19) VCF-style: chr14-64628804-A-C.
Other names: c.16109A>C, p.Asn5370Thr (NM_015180.6); short protein forms N5370T.
Identifiers: ClinVar variation 652455 (VCV000652455.7), dbSNP rs760687493, ClinGen allele CA7223282.

ClinVar aggregate classification (germline): Uncertain significance. Review status: criteria provided, multiple submitters, no conflicts (2 of 4 stars). 2 submissions from 2 submitters: Uncertain significance (2). Last evaluated 2025-01-27.

Conditions:
Emery-Dreifuss muscular dystrophy 5, autosomal dominant (EDMD5). Also called: EMERY-DREIFUSS MUSCULAR DYSTROPHY 5. Identifiers: Orphanet 261, MedGen C2751805, MONDO:0013072, OMIM 612999.

Allele frequency attached by ClinVar (database versions not stated): gnomAD exomes below 0.00001 and 0.00001; gnomAD 0.00001 and 0.00003; ExAC 0.00002; TOPMed 0.00004.
gnomAD v4.1: 5 of 1,614,074 alleles (0.00031%); highest among the groups gnomAD compares: African/African-American, 0.0067%; no homozygotes.

Submissions (2):

Labcorp Genetics (formerly Invitae), Labcorp
Classification: Uncertain significance for Emery-Dreifuss muscular dystrophy 5, autosomal dominant. Last evaluated: 2025-01-27. Review status: criteria provided, single submitter. Criteria: Invitae Variant Classification Sherloc (09022015). Collection method: clinical testing. Allele origin: germline.
Comment: This sequence change replaces asparagine, which is neutral and polar, with threonine, which is neutral and polar, at codon 5370 of the SYNE2 protein (p.Asn5370Thr). This variant is present in population databases (rs760687493, gnomAD 0.02%). This variant has not been reported in the literature in individuals affected with SYNE2-related conditions. ClinVar contains an entry for this variant (Variation ID: 652455). An algorithm developed to predict the effect of missense changes on protein structure and function (PolyPhen-2) suggests that this variant is likely to be disruptive. In summary, the available evidence is currently insufficient to determine the role of this variant in disease. Therefore, it has been classified as a Variant of Uncertain Significance.

Ambry Genetics
Classification: Uncertain significance. Last evaluated: 2024-12-21. Review status: criteria provided, single submitter. Criteria: Ambry Variant Classification Scheme 2023. Collection method: clinical testing. Allele origin: germline.